The following is an entry in ClinVar:

ClinVar aggregate classification (germline): other (0 of 4 stars; one submission).

Conditions:
Familial colorectal cancer. Identifiers: MedGen CN280943, MONDO:0023113. Disease mechanism: loss of function.

Allele frequency attached by ClinVar (database versions not stated): gnomAD 0.24387 and 0.25649; TOPMed 0.27060; 1000 Genomes Project 30x 0.33198; 1000 Genomes Project 0.34405.
gnomAD v4.1: 39,116 of 151,852 alleles (26%); highest among the groups gnomAD compares: East Asian, 61%; 6,526 homozygotes.

Submission:

Systems Biology Platform Zhejiang California International NanoSystems Institute
Classification: other for Familial colorectal cancer. Review status: no assertion criteria provided. Collection method: not provided. Allele origin: unknown.
ClinVar note: Converted during submission from cancer to other.

NM_000038.6(APC):c.-19+7757C>A

Gene: APC (APC regulator of WNT signaling pathway; plus strand). Cytogenetic location: 5q22.2.
Variant type: single nucleotide variant.
Coding change: c.-19+7757C>A on transcript NM_000038.6 (MANE Select); 7757 bases into the intron after 19 bases upstream of the start codon, C replaced by A.
Molecular consequence: intron variant.
Genome position (GRCh38, 1-based): chr5:112,745,682, C>A. VCF-style: chr5-112745682-C-A. GRCh37 (hg19) VCF-style: chr5-112081379-C-A.
Other names: c.-18-9191C>A (NM_001354895.2); c.166-20644C>A (NM_001354897.2, NM_001354902.2, NM_001127511.3); c.-19+7222C>A (NM_001127510.3); c.60+7222C>A (NM_001354898.2, NM_001354904.2); c.-1054+7757C>A (NM_001354906.2); c.-19+7757C>A (NM_001354896.2, NM_001354903.2, NM_001354899.2); c.-43+7757C>A (NM_001354900.2, NM_001354901.2, NM_001354905.2).
Identifiers: ClinVar variation 82773 (VCV000082773.2), dbSNP rs79334785, ClinGen allele CA007023.
Genomic context (GRCh38, chr5:112,745,682, plus strand): 5'-GTTGCAATCTCGGCTCACAGCAACCTCCACCTCAAGCGATTCTCCTGTCTTAGCGACCCC[C>A]CCACCCCACACCATAGCTGGGACTACAGGCGGGTGCCACCACGCCCAGCTAATTTTTGTA-3'